The following is an entry in ClinVar:

NM_024675.4(PALB2):c.1336G>A (p.Asp446Asn)

Gene: PALB2 (partner and localizer of BRCA2; minus strand). Cytogenetic location: 16p12.2.
Variant type: single nucleotide variant.
Coding change: c.1336G>A on transcript NM_024675.4 (MANE Select); coding-DNA position 1336, G replaced by A.
Protein change: p.Asp446Asn; replaces aspartic acid 446 with asparagine.
Molecular consequence: missense variant.
Genome position (GRCh38, 1-based): chr16:23,635,210, C>T on the plus strand (G>A on the coding strand, the complement: PALB2 is on the minus strand). VCF-style: chr16-23635210-C-T. GRCh37 (hg19) VCF-style: chr16-23646531-C-T.
Other names: c.451G>A, p.Asp151Asn (NM_001407309.1, NM_001407310.1, NM_001407311.1 and 5 more transcripts); c.1276G>A, p.Asp426Asn (NM_001407296.1); c.1336G>A, p.Asp446Asn (NM_001407297.1, NM_001407298.1, NM_001407299.1 and 3 more transcripts); short protein forms D426N, D151N, D446N.
Identifiers: ClinVar variation 1770247 (VCV001770247.2), dbSNP rs2142419030, ClinGen allele CA395132254.

ClinVar aggregate classification (germline): Uncertain significance (1 of 4 stars; one submission).

Conditions:
Hereditary cancer-predisposing syndrome. Also called: Hereditary Cancer Syndrome; Hereditary neoplastic syndrome; Neoplastic Syndromes, Hereditary; Tumor predisposition. Identifiers: Orphanet 140162, MedGen C0027672, MeSH D009386, MONDO:0015356.

Submission:

Ambry Genetics
Classification: Uncertain significance for Hereditary cancer-predisposing syndrome. Last evaluated: 2020-02-13. Review status: criteria provided, single submitter. Criteria: Ambry Variant Classification Scheme 2023. Collection method: clinical testing. Allele origin: germline.
Comment: The p.D446N variant (also known as c.1336G>A), located in coding exon 4 of the PALB2 gene, results from a G to A substitution at nucleotide position 1336. The aspartic acid at codon 446 is replaced by asparagine, an amino acid with highly similar properties. This amino acid position is poorly conserved in available vertebrate species. In addition, this alteration is predicted to be tolerated by in silico analysis. Since supporting evidence is limited at this time, the clinical significance of this alteration remains unclear.